The following is an entry in ClinVar:

ClinVar aggregate classification (germline): Pathogenic. Review status: criteria provided, multiple submitters, no conflicts (2 of 4 stars). 2 submissions from 2 submitters: Pathogenic (2). Last evaluated 2023-04-08.

Conditions:
Retinitis pigmentosa 61 (RP61). Identifiers: Orphanet 791, MedGen C3280041, MONDO:0013610, OMIM 614180.

Submissions (2):

Baylor Genetics
Classification: Pathogenic for Retinitis pigmentosa 61. Last evaluated: 2023-04-08. Review status: criteria provided, single submitter. Criteria: ACMG Guidelines, 2015. Collection method: clinical testing. Allele origin: unknown.

Labcorp Genetics (formerly Invitae), Labcorp
Classification: Pathogenic. Last evaluated: 2022-03-10. Review status: criteria provided, single submitter. Criteria: Invitae Variant Classification Sherloc (09022015). Collection method: clinical testing. Allele origin: germline.
Comment: For these reasons, this variant has been classified as Pathogenic. This premature translational stop signal has been observed in individual(s) with Usher syndrome (PMID: 25356976). This variant is not present in population databases (gnomAD no frequency). This sequence change creates a premature translational stop signal (p.Ser50*) in the CLRN1 gene. It is expected to result in an absent or disrupted protein product. Loss-of-function variants in CLRN1 are known to be pathogenic (PMID: 11524702, 24498627).

Literature cited by the submitters: PubMed 25356976 (cited by Labcorp Genetics (formerly Invitae), Labcorp); PubMed 11524702 (cited by Labcorp Genetics (formerly Invitae), Labcorp); PubMed 24498627 (cited by Labcorp Genetics (formerly Invitae), Labcorp).

NM_174878.3(CLRN1):c.149C>A (p.Ser50Ter)

Gene: CLRN1 (clarin 1; minus strand). Cytogenetic location: 3q25.1.
Variant type: single nucleotide variant.
Coding change: c.149C>A on transcript NM_174878.3 (MANE Select); coding-DNA position 149, C replaced by A.
Protein change: p.Ser50Ter; replaces serine 50 with a stop codon.
Molecular consequence: nonsense. On other transcripts: non-coding transcript variant (1).
Genome position (GRCh38, 1-based): chr3:150,972,560, G>T on the plus strand (C>A on the coding strand, the complement: CLRN1 is on the minus strand). VCF-style: chr3-150972560-G-T. GRCh37 (hg19) VCF-style: chr3-150690347-G-T.
Other names: c.149C>A, p.Ser50Ter (NM_001195794.1, NM_001256819.2); short protein forms S50*.
Identifiers: ClinVar variation 2203455 (VCV002203455.5), dbSNP rs1463067573, ClinGen allele CA355011956.